The following is an entry in ClinVar:

ClinVar aggregate classification (germline): Uncertain significance. Review status: criteria provided, multiple submitters, no conflicts (2 of 4 stars). 2 submissions from 2 submitters: Uncertain significance (2). Last evaluated 2026-02-18.

Conditions:
Inborn genetic diseases. Identifiers: MedGen C0950123, MeSH D030342.

Allele frequency attached by ClinVar (database versions not stated): ExAC 0.00007; gnomAD 0.00013; TOPMed 0.00013; ESP Exome Variant Server 0.00023.
gnomAD v4.1: 30 of 1,613,884 alleles (0.0019%); highest among the groups gnomAD compares: African/African-American, 0.033%; no homozygotes.

Submissions (2):

GeneDx
Classification: Uncertain significance. Last evaluated: 2026-02-18. Review status: criteria provided, single submitter. Criteria: GeneDx Variant Classification Process June 2021. Collection method: clinical testing. Allele origin: germline.
Comment: In silico analysis supports that this missense variant has a deleterious effect on protein structure/function; Has not been previously published as pathogenic or benign to our knowledge

Ambry Genetics
Classification: Uncertain significance for Inborn genetic diseases. Last evaluated: 2024-08-26. Review status: criteria provided, single submitter. Criteria: Ambry Variant Classification Scheme 2023. Collection method: clinical testing. Allele origin: germline.

NM_001170535.3(ATAD3A):c.692C>T (p.Thr231Ile)

Gene: ATAD3A (ATPase family AAA domain containing 3A; plus strand). Cytogenetic location: 1p36.33.
Variant type: single nucleotide variant.
Coding change: c.692C>T on transcript NM_001170535.3 (MANE Select); coding-DNA position 692, C replaced by T.
Protein change: p.Thr231Ile; replaces threonine 231 with isoleucine.
Molecular consequence: missense variant.
Genome position (GRCh38, 1-based): chr1:1,520,559, C>T. VCF-style: chr1-1520559-C-T. GRCh37 (hg19) VCF-style: chr1-1455939-C-T.
Other names: c.692C>T (NM_001170535.1); c.455C>T, p.Thr152Ile (NM_001170536.3); c.836C>T, p.Thr279Ile (NM_018188.5); short protein forms T279I, T231I, T152I.
Identifiers: ClinVar variation 2382291 (VCV002382291.5), dbSNP rs370511780, ClinGen allele CA525928.